The following is an entry in ClinVar:

NM_000368.5(TSC1):c.3106G>A (p.Gly1036Arg)

Gene: TSC1 (TSC complex subunit 1; minus strand). Cytogenetic location: 9q34.13.
Variant type: single nucleotide variant.
Coding change: c.3106G>A on transcript NM_000368.5 (MANE Select); coding-DNA position 3106, G replaced by A.
Protein change: p.Gly1036Arg; replaces glycine 1036 with arginine.
Molecular consequence: missense variant.
Genome position (GRCh38, 1-based): chr9:132,896,624, C>T on the plus strand (G>A on the coding strand, the complement: TSC1 is on the minus strand). VCF-style: chr9-132896624-C-T. GRCh37 (hg19) VCF-style: chr9-135772011-C-T.
Other names: c.3103G>A, p.Gly1035Arg (NM_001162426.2); c.2953G>A, p.Gly985Arg (NM_001162427.2); c.2743G>A, p.Gly915Arg (NM_001362177.2); short protein forms G1035R, G1036R, G915R, G985R.
Identifiers: ClinVar variation 663161 (VCV000663161.12), dbSNP rs1588287655, ClinGen allele CA375367424.

ClinVar aggregate classification (germline): Uncertain significance. Review status: criteria provided, multiple submitters, no conflicts (2 of 4 stars). 3 submissions from 3 submitters: Uncertain significance (3). Last evaluated 2025-07-31.

Conditions:
Tuberous sclerosis syndrome (TSC). Also called: Tuberous Sclerosis Complex; Tuberous sclerosis. Identifiers: Orphanet 805, MedGen C0041341, MONDO:0001734.
Tuberous sclerosis 1 (TSC1). Identifiers: Orphanet 805, MedGen C1854465, MONDO:0008612, OMIM 191100.
Hereditary cancer-predisposing syndrome. Also called: Neoplastic Syndromes, Hereditary; Hereditary neoplastic syndrome; Tumor predisposition; Hereditary Cancer Syndrome. Identifiers: Orphanet 140162, MedGen C0027672, MeSH D009386, MONDO:0015356.

Allele frequency attached by ClinVar (database versions not stated): gnomAD exomes below 0.00001.
gnomAD v4.1: 1 of 1,613,770 alleles (0.000062%); highest among the groups gnomAD compares: African/African-American, 0.0013%; no homozygotes.

Submissions (3):

Labcorp Genetics (formerly Invitae), Labcorp
Classification: Uncertain significance for Tuberous sclerosis 1. Last evaluated: 2025-07-31. Review status: criteria provided, single submitter. Criteria: Invitae Variant Classification Sherloc (09022015). Collection method: clinical testing. Allele origin: germline.
Comment: This sequence change replaces glycine, which is neutral and non-polar, with arginine, which is basic and polar, at codon 1036 of the TSC1 protein (p.Gly1036Arg). This variant is not present in population databases (gnomAD no frequency). This variant has not been reported in the literature in individuals affected with TSC1-related conditions. ClinVar contains an entry for this variant (Variation ID: 663161). Invitae Evidence Modeling of protein sequence and biophysical properties (such as structural, functional, and spatial information, amino acid conservation, physicochemical variation, residue mobility, and thermodynamic stability) indicates that this missense variant is not expected to disrupt TSC1 protein function with a negative predictive value of 95%. In summary, the available evidence is currently insufficient to determine the role of this variant in disease. Therefore, it has been classified as a Variant of Uncertain Significance.

Ambry Genetics
Classification: Uncertain significance for Hereditary cancer-predisposing syndrome. Last evaluated: 2023-10-19. Review status: criteria provided, single submitter. Criteria: Ambry Variant Classification Scheme 2023. Collection method: clinical testing. Allele origin: germline.
Comment: The p.G1036R variant (also known as c.3106G>A), located in coding exon 21 of the TSC1 gene, results from a G to A substitution at nucleotide position 3106. The glycine at codon 1036 is replaced by arginine, an amino acid with dissimilar properties. This amino acid position is highly conserved in available vertebrate species. In addition, the in silico prediction for this alteration is inconclusive. Since supporting evidence is limited at this time, the clinical significance of this alteration remains unclear.

All of Us Research Program, National Institutes of Health
Classification: Uncertain significance for Tuberous sclerosis syndrome. Last evaluated: 2023-06-08. Review status: criteria provided, single submitter. Criteria: ACMG Guidelines, 2015. Collection method: clinical testing. Allele origin: germline. Inheritance: Autosomal dominant inheritance. Observed: 2 variant alleles, 2 heterozygotes.
Comment: This missense variant replaces glycine with arginine at codon 1036 of the TSC1 protein. Computational prediction suggests that this variant may not impact protein structure and function (internally defined REVEL score threshold <= 0.5, PMID: 27666373). To our knowledge, functional studies have not been reported for this variant. This variant has not been reported in individuals affected with tuberous sclerosis complex (TSC) in the literature. This variant has not been identified in the general population by the Genome Aggregation Database (gnomAD). The available evidence is insufficient to determine the role of this variant in disease conclusively. Therefore, this variant is classified as a Variant of Uncertain Significance.

This study involves interpretation of variants in research participants for the purpose of population health screening. Participant phenotype was not available at the time of variant classification. Additional details can be found in publication PMID: 35346344, PMCID: PMC8962531